The following is an entry in ClinVar:

NM_001374828.1(ARID1B):c.3308AAG[2] (p.Glu1105del)

Gene: ARID1B (AT-rich interaction domain 1B; plus strand). Cytogenetic location: 6q25.3.
Variant type: Microsatellite.
Coding change: c.3308AAG[2] on transcript NM_001374828.1 (MANE Select); two copies in a row of the 3-base unit AAG starting at c.3308; the reference has three copies in a row; one copy, 3 bases deleted; also written c.3314_3316del.
Protein change: p.Glu1105del; deletes glutamic acid 1105.
Genome position (GRCh38, 1-based): chr6:157,174,086-157,174,088, AAG deleted; deleting any 3 consecutive bases within chr6:157,174,080-157,174,088 gives the same sequence; the position shown is the placement nearest the transcript's 3' end. VCF-style (leftmost placement, unchanged base first): chr6-157174079-AAAG-A. GRCh37 (hg19) VCF-style: chr6-157495213-AAAG-A.
Other names: c.809AAG[2], p.Glu272del (NM_001363725.2, NM_001438488.1); c.3347AAG[2], p.Glu1118del (NM_001371656.1, NM_001374820.1); c.3437AAG[2], p.Glu1148del (NM_001438482.1); c.3350AAG[2], p.Glu1119del (NM_001438483.1, NM_001438486.1); c.3218AAG[2], p.Glu1075del (NM_001438485.1); c.3128AAG[2], p.Glu1045del (NM_001438487.1); c.3308AAG[2], p.Glu1105del (NM_017519.3); c.3314_3316del (NM_001374828.1); short protein forms E1045del, E1075del, E1105del, E1118del, E1119del, E1148del, E272del.
Identifiers: ClinVar variation 4526644 (VCV004526644.1).

ClinVar aggregate classification (germline): Uncertain significance (1 of 4 stars; one submission).

Conditions:
Neurodevelopmental disorder. Identifiers: MedGen C1535926, MeSH D065886, MONDO:0700092.

Submission:

Regional Center For Medical Genetics Timis, Louis Turcanu Emergency Hospital for Children Timisoara
Classification: Uncertain significance for Neurodevelopmental disorder. Last evaluated: 2025-06-20. Review status: criteria provided, single submitter. Criteria: ACMG Guidelines, 2015. Collection method: clinical testing. Allele origin: germline. Affected: yes.
Comment: The variant results in a protein shortened by one amino acid. In silico predictions support pathogenicity (phyloP100way = 7.651; MutationTaster = Deleterious), and the affected region is conserved. To our knowledge, this variant has not been reported in the literature in individuals with conditions associated with the ARID1B gene. Based on the available evidence, this variant is classified as of uncertain significance (VUS).